The following is an entry in ClinVar:

NM_001845.6(COL4A1):c.287C>T (p.Pro96Leu)

Gene: COL4A1 (collagen type IV alpha 1 chain; minus strand). Cytogenetic location: 13q34.
Variant type: single nucleotide variant.
Coding change: c.287C>T on transcript NM_001845.6 (MANE Select); coding-DNA position 287, C replaced by T.
Protein change: p.Pro96Leu; replaces proline 96 with leucine.
Molecular consequence: missense variant.
Genome position (GRCh38, 1-based): chr13:110,212,611, G>A on the plus strand (C>T on the coding strand, the complement: COL4A1 is on the minus strand). VCF-style: chr13-110212611-G-A. GRCh37 (hg19) VCF-style: chr13-110864958-G-A.
Other names: c.287C>T (NM_001845.4); c.287C>T, p.Pro96Leu (NM_001303110.2); short protein forms P96L.
Identifiers: ClinVar variation 2973848 (VCV002973848.5), dbSNP rs1879865972, ClinGen allele CA388726643.

ClinVar aggregate classification (germline): Uncertain significance. Review status: criteria provided, multiple submitters, no conflicts (2 of 4 stars). 2 submissions from 2 submitters: Uncertain significance (2). Last evaluated 2025-05-05.

Conditions:
Inborn genetic diseases. Identifiers: MedGen C0950123, MeSH D030342.

Allele frequency attached by ClinVar (database versions not stated): TOPMed below 0.00001; gnomAD 0.00001; gnomAD exomes 0.00001.
gnomAD v4.1: 9 of 1,613,896 alleles (0.00056%); highest among the groups gnomAD compares: Middle Eastern, 0.017%; no homozygotes.

Submissions (2):

Ambry Genetics
Classification: Uncertain significance for Inborn genetic diseases. Last evaluated: 2025-05-05. Review status: criteria provided, single submitter. Criteria: Ambry Variant Classification Scheme 2023. Collection method: clinical testing. Allele origin: germline.

Labcorp Genetics (formerly Invitae), Labcorp
Classification: Uncertain significance. Last evaluated: 2023-03-10. Review status: criteria provided, single submitter. Criteria: Invitae Variant Classification Sherloc (09022015). Collection method: clinical testing. Allele origin: germline.
Comment: In summary, the available evidence is currently insufficient to determine the role of this variant in disease. Therefore, it has been classified as a Variant of Uncertain Significance. Advanced modeling of protein sequence and biophysical properties (such as structural, functional, and spatial information, amino acid conservation, physicochemical variation, residue mobility, and thermodynamic stability) performed at Invitae indicates that this missense variant is not expected to disrupt COL4A1 protein function. This variant has not been reported in the literature in individuals affected with COL4A1-related conditions. This sequence change replaces proline, which is neutral and non-polar, with leucine, which is neutral and non-polar, at codon 96 of the COL4A1 protein (p.Pro96Leu). This variant is not present in population databases (gnomAD no frequency).